The following is an entry in ClinVar:

NM_001370298.3(FGD4):c.2452C>T (p.Gln818Ter)

Gene: FGD4 (FYVE, RhoGEF and PH domain containing 4; plus strand). Cytogenetic location: 12p11.21.
Variant type: single nucleotide variant.
Coding change: c.2452C>T on transcript NM_001370298.3 (MANE Select); coding-DNA position 2452, C replaced by T.
Protein change: p.Gln818Ter; replaces glutamine 818 with a stop codon.
Molecular consequence: nonsense.
Genome position (GRCh38, 1-based): chr12:32,638,793, C>T. VCF-style: chr12-32638793-C-T. GRCh37 (hg19) VCF-style: chr12-32791727-C-T.
Other names: c.2296C>T, p.Gln766Ter (NM_001304481.2); c.1297C>T, p.Gln433Ter (NM_001304483.2); c.1009C>T, p.Gln337Ter (NM_001304484.2); c.1762C>T, p.Gln588Ter (NM_001330373.2, NM_001330374.2, NM_001384130.1); c.1489C>T, p.Gln497Ter (NM_001370297.1); c.2452C>T, p.Gln818Ter (NM_001384126.1); c.2041C>T, p.Gln681Ter (NM_001384127.1, NM_001384128.1, NM_001385118.1 and 1 more transcripts); short protein forms Q588*, Q681*, Q766*, Q818*, Q497*, Q337*, Q433*.
Identifiers: ClinVar variation 3716414 (VCV003716414.2).

ClinVar aggregate classification (germline): Pathogenic (1 of 4 stars; one submission).

Conditions:
Charcot-Marie-Tooth disease type 4. Also called: Charcot-Marie-Tooth, Type 4; Charcot-Marie-Tooth disease, type IV. Identifiers: Orphanet 64749, MedGen C4082197, MONDO:0018995.

Submission:

Labcorp Genetics (formerly Invitae), Labcorp
Classification: Pathogenic for Charcot-Marie-Tooth disease type 4. Last evaluated: 2024-03-01. Review status: criteria provided, single submitter. Criteria: Invitae Variant Classification Sherloc (09022015). Collection method: clinical testing. Allele origin: germline.
Comment: This sequence change creates a premature translational stop signal (p.Gln681*) in the FGD4 gene. While this is not anticipated to result in nonsense mediated decay, it is expected to disrupt the last 86 amino acid(s) of the FGD4 protein. This variant is not present in population databases (gnomAD no frequency). This variant has not been reported in the literature in individuals affected with FGD4-related conditions. Algorithms developed to predict the effect of sequence changes on RNA splicing suggest that this variant may disrupt the consensus splice site. This variant disrupts a region of the FGD4 protein in which other variant(s) (p.Ala738Serfs*5) have been determined to be pathogenic (PMID: 31152969). This suggests that this is a clinically significant region of the protein, and that variants that disrupt it are likely to be disease-causing. For these reasons, this variant has been classified as Pathogenic.

Literature cited by the submitters: PubMed 31152969.